The following is an entry in ClinVar:

ClinVar aggregate classification (germline): Uncertain significance (1 of 4 stars; one submission).

Allele frequency attached by ClinVar (database versions not stated): gnomAD exomes below 0.00001.

Submission:

Labcorp Genetics (formerly Invitae), Labcorp
Classification: Uncertain significance. Last evaluated: 2022-07-05. Review status: criteria provided, single submitter. Criteria: Invitae Variant Classification Sherloc (09022015). Collection method: clinical testing. Allele origin: germline.
Comment: Algorithms developed to predict the effect of missense changes on protein structure and function are either unavailable or do not agree on the potential impact of this missense change (SIFT: "Deleterious"; PolyPhen-2: "Benign"; Align-GVGD: "Class C65"). In summary, the available evidence is currently insufficient to determine the role of this variant in disease. Therefore, it has been classified as a Variant of Uncertain Significance. This variant has not been reported in the literature in individuals affected with VCAN-related conditions. This variant is not present in population databases (gnomAD no frequency). This sequence change replaces glutamic acid, which is acidic and polar, with valine, which is neutral and non-polar, at codon 2794 of the VCAN protein (p.Glu2794Val).

NM_004385.5(VCAN):c.8381A>T (p.Glu2794Val)

Genes: VCAN (versican; plus strand), VCAN-AS1 (VCAN antisense RNA 1; minus strand). Cytogenetic location: 5q14.3.
Variant type: single nucleotide variant.
Coding change: c.8381A>T on transcript NM_004385.5 (MANE Select); coding-DNA position 8381, A replaced by T.
Protein change: p.Glu2794Val; replaces glutamic acid 2794 with valine.
Molecular consequence: missense variant. On other transcripts: intron variant (2).
Genome position (GRCh38, 1-based): chr5:83,541,384, A>T. VCF-style: chr5-83541384-A-T. GRCh37 (hg19) VCF-style: chr5-82837203-A-T.
Other names: c.4004-4153A>T (NM_001164098.2); c.1043-4153A>T (NM_001126336.3); c.5420A>T, p.Glu1807Val (NM_001164097.2); short protein forms E1807V, E2794V.
Identifiers: ClinVar variation 2049353 (VCV002049353.4), dbSNP rs2479123248, ClinGen allele CA360316797.
Genomic context (GRCh38, chr5:83,541,384, plus strand): 5'-TAGACCATACTCCCTATCTAAGTATTGCTACTACCCACCTTATGGATCAGAGTGTAACAG[A>T]GGTGCCTGATGTGATGGAAGGATCCAATCCCCCATATTACACTGATACAACATTAGCAGT-3'
Protein context (NP_004376.2, residues 2784-2804): TTHLMDQSVT[Glu2794Val]VPDVMEGSNP